The following is an entry in ClinVar:

NM_001035.3(RYR2):c.6139C>T (p.Pro2047Ser)

Gene: RYR2 (ryanodine receptor 2; plus strand). Cytogenetic location: 1q43.
Variant type: single nucleotide variant.
Coding change: c.6139C>T on transcript NM_001035.3 (MANE Select); coding-DNA position 6139, C replaced by T.
Protein change: p.Pro2047Ser; replaces proline 2047 with serine.
Molecular consequence: missense variant.
Genome position (GRCh38, 1-based): chr1:237,625,777, C>T. VCF-style: chr1-237625777-C-T. GRCh37 (hg19) VCF-style: chr1-237789077-C-T.
Other names: c.6139C>T (NM_001035.2); short protein forms P2047S.
Identifiers: ClinVar variation 924704 (VCV000924704.9), dbSNP rs781756026, ClinGen allele CA345409323.

ClinVar aggregate classification (germline): Uncertain significance. Review status: criteria provided, multiple submitters, no conflicts (2 of 4 stars). 5 submissions from 5 submitters: Uncertain significance (5). Last evaluated 2025-08-11.

Conditions:
Cardiovascular phenotype. Identifiers: MedGen CN230736.
Catecholaminergic polymorphic ventricular tachycardia (CVPT). Also called: Catecholamine-induced polymorphic ventricular tachycardia. Identifiers: Orphanet 3286, MedGen C5574922, MONDO:0017990.
Cardiomyopathy (CMYO). Also called: Cardiomyopathies. Identifiers: Orphanet 167848, MedGen C0878544, MONDO:0004994, HP:0001638. Inheritance: Various modes of inheritance.
Catecholaminergic polymorphic ventricular tachycardia 1. Also called: VENTRICULAR TACHYCARDIA, CATECHOLAMINERGIC POLYMORPHIC, 1, WITH OR WITHOUT ATRIAL DYSFUNCTION AND/OR DILATED CARDIOMYOPATHY; RYR2-Related Catecholaminergic Polymorphic Ventricular Tachycardia; VENTRICULAR TACHYCARDIA, STRESS-INDUCED POLYMORPHIC 1. Identifiers: Orphanet 3286, MedGen C1631597, MONDO:0011484, OMIM 604772.

gnomAD v4.1: 22 of 1,613,526 alleles (0.0014%); highest among the groups gnomAD compares: Non-Finnish European, 0.0018%; no homozygotes.

Submissions (5):

Labcorp Genetics (formerly Invitae), Labcorp
Classification: Uncertain significance for Catecholaminergic polymorphic ventricular tachycardia 1. Last evaluated: 2025-08-11. Review status: criteria provided, single submitter. Criteria: Invitae Variant Classification Sherloc (09022015). Collection method: clinical testing. Allele origin: germline.
Comment: This sequence change replaces proline, which is neutral and non-polar, with serine, which is neutral and polar, at codon 2047 of the RYR2 protein (p.Pro2047Ser). This variant is not present in population databases (gnomAD no frequency). This variant has not been reported in the literature in individuals affected with RYR2-related conditions. ClinVar contains an entry for this variant (Variation ID: 924704). Invitae Evidence Modeling of protein sequence and biophysical properties (such as structural, functional, and spatial information, amino acid conservation, physicochemical variation, residue mobility, and thermodynamic stability) indicates that this missense variant is not expected to disrupt RYR2 protein function with a negative predictive value of 95%. In summary, the available evidence is currently insufficient to determine the role of this variant in disease. Therefore, it has been classified as a Variant of Uncertain Significance.

Ambry Genetics
Classification: Uncertain significance for Cardiovascular phenotype. Last evaluated: 2025-04-04. Review status: criteria provided, single submitter. Criteria: Ambry Variant Classification Scheme 2023. Collection method: clinical testing. Allele origin: germline.
Comment: The p.P2047S variant (also known as c.6139C>T), located in coding exon 40 of the RYR2 gene, results from a C to T substitution at nucleotide position 6139. The proline at codon 2047 is replaced by serine, an amino acid with similar properties. This amino acid position is well conserved in available vertebrate species. In addition, this alteration is predicted to be tolerated by in silico analysis. Based on the available evidence, the clinical significance of this variant remains unclear.

Color Diagnostics, LLC DBA Color Health
Classification: Uncertain significance for Cardiomyopathy. Last evaluated: 2024-03-06. Review status: criteria provided, single submitter. Criteria: ACMG Guidelines, 2015. Collection method: clinical testing. Allele origin: germline.
Comment: This missense variant replaces proline with serine at codon 2047 of the RYR2 protein. Computational prediction suggests that this variant may not impact protein structure and function (internally defined REVEL score threshold <= 0.5, PMID: 27666373). To our knowledge, functional studies have not been reported for this variant. This variant has not been reported in individuals affected with RYR2-related disorders in the literature. This variant has not been identified in the general population by the Genome Aggregation Database (gnomAD). The available evidence is insufficient to determine the role of this variant in disease conclusively. Therefore, this variant is classified as a Variant of Uncertain Significance.

All of Us Research Program, National Institutes of Health
Classification: Uncertain significance for Catecholaminergic polymorphic ventricular tachycardia. Last evaluated: 2023-11-02. Review status: criteria provided, single submitter. Criteria: ACMG Guidelines, 2015. Collection method: clinical testing. Allele origin: germline. Inheritance: Autosomal dominant inheritance. Observed: 1 variant allele, 1 heterozygote.
Comment: This missense variant replaces proline with serine at codon 2047 of the RYR2 protein. Computational prediction tool suggests that this variant may not impact protein structure and function (internally defined REVEL score threshold <=0.5, PMID: 27666373). Splice site prediction tools suggest that this variant may not impact RNA splicing. To our knowledge, functional studies have not been performed for this variant. This variant has not been reported in individuals affected with cardiovascular disorders in the literature. This variant has not been identified in the general population by the Genome Aggregation Database (gnomAD). The available evidence is insufficient to determine the role of this variant in disease conclusively. Therefore, this variant is classified as a Variant of Uncertain Significance.

This study involves interpretation of variants in research participants for the purpose of population health screening. Participant phenotype was not available at the time of variant classification. Additional details can be found in publication PMID: 35346344, PMCID: PMC8962531

Breakthrough Genomics
Classification: Uncertain significance. Review status: criteria provided, single submitter. Criteria: ACMG Guidelines, 2015. Collection method: not provided. Allele origin: germline. Inheritance: Autosomal dominant inheritance. Affected: yes.